The following is an entry in ClinVar:

ClinVar aggregate classification (germline): Conflicting classifications of pathogenicity. Review status: criteria provided, conflicting classifications (1 of 4 stars). 2 submissions from 2 submitters: Uncertain significance (1); Likely benign (1). Last evaluated 2025-08-05.

gnomAD v4.1: 789 of 1,613,104 alleles (0.049%); highest among the groups gnomAD compares: African/African-American, 0.95%; 3 homozygotes.

Submissions (2):

Ambry Genetics
Classification: Uncertain significance. Last evaluated: 2025-08-05. Review status: criteria provided, single submitter. Criteria: Ambry Variant Classification Scheme 2023. Collection method: clinical testing. Allele origin: germline.

CeGaT Center for Human Genetics Tuebingen
Classification: Likely benign. Last evaluated: 2025-04-01. Review status: criteria provided, single submitter. Criteria: CeGaT Center For Human Genetics Tuebingen Variant Classification Criteria Version 2. Collection method: clinical testing. Allele origin: germline. Affected: yes. Observed: 1 variant allele.
Comment: CCDC180: BP4

NM_020893.6(CCDC180):c.22A>C (p.Thr8Pro)

Genes: SUGT1P4-STRA6LP-CCDC180 (SUGT1P4-STRA6LP-CCDC180 readthrough; plus strand), CCDC180 (coiled-coil domain containing 180; plus strand). Cytogenetic location: 9q22.33.
Variant type: single nucleotide variant.
Coding change: c.22A>C on transcript NM_020893.6 (MANE Select); coding-DNA position 22, A replaced by C.
Protein change: p.Thr8Pro; replaces threonine 8 with proline.
Molecular consequence: missense variant. On other transcripts: non-coding transcript variant (3).
Genome position (GRCh38, 1-based): chr9:97,308,085, A>C. VCF-style: chr9-97308085-A-C. GRCh37 (hg19) VCF-style: chr9-100070367-A-C.
Other names: c.22A>C, p.Thr8Pro (NM_001348010.4); c.154A>C (NM_020893.2); short protein forms T8P.
Identifiers: ClinVar variation 3898210 (VCV003898210.8).